The following is an entry in ClinVar:

ClinVar aggregate classification (germline): Conflicting classifications of pathogenicity. Review status: criteria provided, conflicting classifications (1 of 4 stars). 3 submissions from 3 submitters: Likely pathogenic (1); Uncertain significance (1). 1 of the submissions does not count toward it. Last evaluated 2019-01-25.

Conditions:
Mitochondrial complex I deficiency, nuclear type 15. Also called: Mitochondrial complex 1 deficiency, nuclear type 15. Identifiers: MedGen C4748778, MONDO:0032620, OMIM 618237.

gnomAD v4.1: 2 of 1,614,178 alleles (0.00012%); highest among the groups gnomAD compares: South Asian, 0.0022%; no homozygotes.

Submissions (3):

SIB Swiss Institute of Bioinformatics
Classification: Likely pathogenic for Mitochondrial complex I deficiency, nuclear type 15. Last evaluated: 2019-01-25. Review status: criteria provided, single submitter. Criteria: ACMG Guidelines, 2015. Collection method: curation. Allele origin: unknown.
Comment: This variant is interpreted as a Likely pathogenic for Mitochondrial complex I deficiency, nuclear type 15, autosomal recessive. The following ACMG Tag(s) were applied: PM2 : Absent from controls (or at extremely low frequency if recessive) in Exome Sequencing Project, 1000 Genomes Project, or Exome Aggregation Consortium. PS3 : Well-established functional studies show a deleterious effect (PMID:28853723).

Eurofins Ntd Llc (ga)
Classification: Uncertain significance. Last evaluated: 2017-01-03. Review status: criteria provided, single submitter. Criteria: EGL Classification Definitions 2015. Collection method: clinical testing. Allele origin: germline. Observed: 1 variant allele, 1 homozygote.

OMIM
Classification: Pathogenic for MITOCHONDRIAL COMPLEX I DEFICIENCY, NUCLEAR TYPE 15. Last evaluated: 2019-01-22. Review status: no assertion criteria provided. Collection method: literature only. Allele origin: germline. Not counted in ClinVar's aggregate classification.

Literature cited by the submitters: PubMed 28853723 (cited by SIB Swiss Institute of Bioinformatics and OMIM).

NM_014165.4(NDUFAF4):c.7G>C (p.Ala3Pro)

Genes: NDUFAF4 (NADH:ubiquinone oxidoreductase complex assembly factor 4; minus strand), LOC129996857 (ATAC-STARR-seq lymphoblastoid active region 24846; plus strand). Cytogenetic location: 6q16.1.
Variant type: single nucleotide variant.
Coding change: c.7G>C on transcript NM_014165.4 (MANE Select); coding-DNA position 7, G replaced by C.
Protein change: p.Ala3Pro; replaces alanine 3 with proline.
Molecular consequence: missense variant.
Genome position (GRCh38, 1-based): chr6:96,897,795, C>G on the plus strand (G>C on the coding strand, the complement: NDUFAF4 is on the minus strand). VCF-style: chr6-96897795-C-G. GRCh37 (hg19) VCF-style: chr6-97345671-C-G.
Other names: short protein forms A3P.
Identifiers: ClinVar variation 499267 (VCV000499267.6), dbSNP rs1554197721, ClinGen allele CA365281646.